The following is an entry in ClinVar:

NM_020822.3(KCNT1):c.2694C>T (p.Asp898=)

Gene: KCNT1 (potassium sodium-activated channel subfamily T member 1; plus strand). Cytogenetic location: 9q34.3.
Variant type: single nucleotide variant.
Coding change: c.2694C>T on transcript NM_020822.3 (MANE Select); coding-DNA position 2694, C replaced by T.
Protein change: p.Asp898=; no amino-acid change (aspartic acid 898 retained).
Molecular consequence: synonymous variant.
Genome position (GRCh38, 1-based): chr9:135,778,787, C>T. VCF-style: chr9-135778787-C-T. GRCh37 (hg19) VCF-style: chr9-138670633-C-T.
Other names: c.2559C>T, p.Asp853= (NM_001272003.2).
Identifiers: ClinVar variation 386732 (VCV000386732.12), dbSNP rs369904278, ClinGen allele CA5327392.
Genomic context (GRCh38, chr9:135,778,787, plus strand): 5'-CAACCTGGTGGTGGTGGACAAGGAGAGCACCATGAGCGCCGAGGAGGACTACATGGCGGA[C>T]GCCAAGACCATCGTCAACGTGCAGACCATGTTCCGGTGCGTCCAGTGTCCGGGGCTCGGC-3'
Protein context (NP_065873.2, residues 888-908): TMSAEEDYMA[Asp898=]AKTIVNVQTM

ClinVar aggregate classification (germline): Likely benign. Review status: criteria provided, multiple submitters, no conflicts (2 of 4 stars). 5 submissions from 4 submitters: Likely benign (5). Last evaluated 2025-10-31.

Conditions:
Autosomal dominant nocturnal frontal lobe epilepsy 5. Also called: KCNT1-Related Epilepsy; CILIARY DYSKINESIA, PRIMARY, 28, WITHOUT SITUS INVERSUS; CILIARY DYSKINESIA, PRIMARY, 28, WITH SITUS INVERSUS; Epilepsy, nocturnal frontal lobe, 5. Identifiers: Orphanet 98784, MedGen C3554306, MONDO:0014002, OMIM 615005.
Developmental and epileptic encephalopathy, 14 (DEE14). Also called: Early infantile epileptic encephalopathy 14. Identifiers: Orphanet 293181, MedGen C3554195, MONDO:0013989, OMIM 614959.

Allele frequency attached by ClinVar (database versions not stated): gnomAD 0.00001; TOPMed 0.00001; ExAC 0.00002; gnomAD exomes 0.00002 and 0.00003; ESP Exome Variant Server 0.00008; 1000 Genomes Project 30x 0.00016; 1000 Genomes Project 0.00020.
gnomAD v4.1: 39 of 1,613,852 alleles (0.0024%); highest among the groups gnomAD compares: South Asian, 0.0077%; no homozygotes.

Submissions (5):

Labcorp Genetics (formerly Invitae), Labcorp
Classification: Likely benign for Autosomal dominant nocturnal frontal lobe epilepsy 5; Developmental and epileptic encephalopathy, 14. Last evaluated: 2025-10-31. Review status: criteria provided, single submitter. Criteria: Invitae Variant Classification Sherloc (09022015). Collection method: clinical testing. Allele origin: germline.

Blueprint Genetics
Classification: Likely benign. Last evaluated: 2022-08-17. Review status: criteria provided, single submitter. Criteria: ACMG Guidelines, 2015. Collection method: clinical testing. Allele origin: germline.

Genome-Nilou Lab
Classification: Likely benign for Developmental and epileptic encephalopathy, 14. Last evaluated: 2022-03-15. Review status: criteria provided, single submitter. Criteria: ACMG Guidelines, 2015. Collection method: clinical testing. Allele origin: germline. Affected: no.

Genome-Nilou Lab
Classification: Likely benign for Autosomal dominant nocturnal frontal lobe epilepsy 5. Last evaluated: 2022-03-15. Review status: criteria provided, single submitter. Criteria: ACMG Guidelines, 2015. Collection method: clinical testing. Allele origin: germline. Affected: no.

GeneDx
Classification: Likely benign. Last evaluated: 2016-06-03. Review status: criteria provided, single submitter. Criteria: GeneDx Variant Classification (06012015). Collection method: clinical testing. Allele origin: germline. Affected: yes.
Comment: This variant is considered likely benign or benign based on one or more of the following criteria: it is a conservative change, it occurs at a poorly conserved position in the protein, it is predicted to be benign by multiple in silico algorithms, and/or has population frequency not consistent with disease.